The following is an entry in ClinVar:

NM_006904.7(PRKDC):c.3202C>T (p.Leu1068Phe)

Gene: PRKDC (protein kinase, DNA-activated, catalytic subunit; minus strand). Cytogenetic location: 8q11.21.
Variant type: single nucleotide variant.
Coding change: c.3202C>T on transcript NM_006904.7 (MANE Select); coding-DNA position 3202, C replaced by T.
Protein change: p.Leu1068Phe; replaces leucine 1068 with phenylalanine.
Molecular consequence: missense variant.
Genome position (GRCh38, 1-based): chr8:47,902,636, G>A on the plus strand (C>T on the coding strand, the complement: PRKDC is on the minus strand). VCF-style: chr8-47902636-G-A. GRCh37 (hg19) VCF-style: chr8-48815196-G-A.
Other names: c.3202C>T, p.Leu1068Phe (NM_001081640.2); short protein forms L1068F.
Identifiers: ClinVar variation 3225826 (VCV003225826.1), dbSNP rs2551875558, ClinGen allele CA371156698.

ClinVar aggregate classification (germline): Uncertain significance (1 of 4 stars; one submission).

Submission:

Ambry Genetics
Classification: Uncertain significance. Last evaluated: 2024-02-22. Review status: criteria provided, single submitter. Criteria: Ambry Variant Classification Scheme 2023. Collection method: clinical testing. Allele origin: germline.
Comment: The p.L1068F variant (also known as c.3202C>T), located in coding exon 27 of the PRKDC gene, results from a C to T substitution at nucleotide position 3202. The leucine at codon 1068 is replaced by phenylalanine, an amino acid with highly similar properties. This amino acid position is conserved. In addition, the in silico prediction for this alteration is inconclusive. Based on the available evidence, the clinical significance of this alteration remains unclear.